The following is an entry in ClinVar:

NM_001127198.5(TMC6):c.2355G>C (p.Arg785Ser)

Gene: TMC6 (transmembrane channel like 6; minus strand). Cytogenetic location: 17q25.3.
Variant type: single nucleotide variant.
Coding change: c.2355G>C on transcript NM_001127198.5 (MANE Select); coding-DNA position 2355, G replaced by C.
Protein change: p.Arg785Ser; replaces arginine 785 with serine.
Molecular consequence: missense variant. On other transcripts: non-coding transcript variant (4).
Genome position (GRCh38, 1-based): chr17:78,113,211, C>G on the plus strand (G>C on the coding strand, the complement: TMC6 is on the minus strand). VCF-style: chr17-78113211-C-G. GRCh37 (hg19) VCF-style: chr17-76109292-C-G.
Other names: c.2355G>C, p.Arg785Ser (NM_001321185.1, NM_001374596.1, NM_001375353.1 and 2 more transcripts); c.2175G>C, p.Arg725Ser (NM_001374593.1, NM_001374594.1); short protein forms R725S, R785S.
Identifiers: ClinVar variation 1447425 (VCV001447425.3), dbSNP rs866233074, ClinGen allele CA294331212.
Genomic context (GRCh38, chr17:78,113,211, plus strand): 5'-GGCATCCTGTTCATCTGTGAGCAGGGCAGGGGGTGCCGCAGCCTCCTCGGTTGTCCCAAC[C>G]CTGCCAGAAAGAGACATCACTGAGGGGACCCCATAAACATCAACATCCCTGCAACCTGGC-3'
Protein context (NP_001120670.1, residues 775-795): YERKEREERS[Arg785Ser]VGTTEEAAAP

ClinVar aggregate classification (germline): Uncertain significance (1 of 4 stars; one submission).

Conditions:
Epidermodysplasia verruciformis. Identifiers: Orphanet 302, MedGen C0014522, MONDO:0009176.

Allele frequency attached by ClinVar (database versions not stated): gnomAD 0.00002; TOPMed 0.00002; gnomAD exomes 0.00001.
gnomAD v4.1: 23 of 1,553,942 alleles (0.0015%); highest among the groups gnomAD compares: Non-Finnish European, 0.0017%; no homozygotes.

Submission:

Labcorp Genetics (formerly Invitae), Labcorp
Classification: Uncertain significance for Epidermodysplasia verruciformis. Last evaluated: 2021-12-07. Review status: criteria provided, single submitter. Criteria: Invitae Variant Classification Sherloc (09022015). Collection method: clinical testing. Allele origin: germline.
Comment: This sequence change replaces arginine, which is basic and polar, with serine, which is neutral and polar, at codon 785 of the TMC6 protein (p.Arg785Ser). This variant is present in population databases (no rsID available, gnomAD 0.001%). This variant has not been reported in the literature in individuals affected with TMC6-related conditions. Algorithms developed to predict the effect of missense changes on protein structure and function are either unavailable or do not agree on the potential impact of this missense change (SIFT: "Not Available"; PolyPhen-2: "Benign"; Align-GVGD: "Not Available"). Experimental studies and prediction algorithms are not available or were not evaluated, and the effect of this variant on mRNA splicing is currently unknown. In summary, the available evidence is currently insufficient to determine the role of this variant in disease. Therefore, it has been classified as a Variant of Uncertain Significance.